The following is an entry in ClinVar:

ClinVar aggregate classification (germline): Conflicting classifications of pathogenicity. Review status: criteria provided, conflicting classifications (1 of 4 stars). 12 submissions from 10 submitters: Uncertain significance (1); Benign (1); Likely benign (8). 2 of the submissions do not count toward it. Last evaluated 2026-07-10.

Conditions:
Acute febrile neutrophilic dermatosis (AFND). Also called: Sweet Syndrome; Gomm Button disease. Identifiers: Orphanet 3243, MedGen C0085077, MONDO:0011959, OMIM 608068.
Familial Mediterranean fever (FMF). Also called: POLYSEROSITIS, FAMILIAL PAROXYSMAL; POLYSEROSITIS, RECURRENT; Periodic peritonitis; Benign paroxysmal peritonitis. Identifiers: Orphanet 342, MedGen C0031069, MONDO:0018088, OMIM 249100. Disease mechanism: gain of function.
Familial Mediterranean fever, autosomal dominant. Also called: FMF, AUTOSOMAL DOMINANT; Dominant Familial Mediterranean Fever. Identifiers: Orphanet 342, MedGen C1851347, MONDO:0007601, OMIM 134610.
Inborn genetic diseases. Identifiers: MedGen C0950123, MeSH D030342.

Allele frequency attached by ClinVar (database versions not stated): gnomAD 0.00004 and 0.00005; TOPMed 0.00004; ESP Exome Variant Server 0.00015; gnomAD exomes 0.00002; ExAC 0.00004.
gnomAD v4.1: 110 of 1,614,162 alleles (0.0068%); highest among the groups gnomAD compares: Non-Finnish European, 0.008%; no homozygotes.

Submissions (12):

Ambry Genetics
Classification: Likely benign for Inborn genetic diseases. Last evaluated: 2026-07-10. Review status: criteria provided, single submitter. Criteria: Ambry Variant Classification Scheme 2023. Collection method: clinical testing. Allele origin: germline.

Labcorp Genetics (formerly Invitae), Labcorp
Classification: Likely benign for Familial Mediterranean fever. Last evaluated: 2026-01-19. Review status: criteria provided, single submitter. Criteria: Invitae Variant Classification Sherloc (09022015). Collection method: clinical testing. Allele origin: germline.

CeGaT Center for Human Genetics Tuebingen
Classification: Likely benign. Last evaluated: 2025-11-01. Review status: criteria provided, single submitter. Criteria: CeGaT Center For Human Genetics Tuebingen Variant Classification Criteria Version 2. Collection method: clinical testing. Allele origin: germline. Affected: yes. Observed: 1 variant allele.
Comment: MEFV: BP4, BP7

Women's Health and Genetics/Laboratory Corporation of America, LabCorp
Classification: Likely benign. Last evaluated: 2024-12-06. Review status: criteria provided, single submitter. Criteria: LabCorp Variant Classification Summary - May 2015. Collection method: clinical testing. Allele origin: germline.

Genome-Nilou Lab
Classification: Uncertain significance for Familial Mediterranean fever. Last evaluated: 2023-02-08. Review status: criteria provided, single submitter. Criteria: ACMG Guidelines, 2015. Collection method: clinical testing. Allele origin: germline.

Genome-Nilou Lab
Classification: Likely benign for Familial Mediterranean fever, autosomal dominant. Last evaluated: 2023-02-08. Review status: criteria provided, single submitter. Criteria: ACMG Guidelines, 2015. Collection method: clinical testing. Allele origin: germline.

Genome-Nilou Lab
Classification: Likely benign for Acute febrile neutrophilic dermatosis. Last evaluated: 2023-02-08. Review status: criteria provided, single submitter. Criteria: ACMG Guidelines, 2015. Collection method: clinical testing. Allele origin: germline.

Fulgent Genetics
Classification: Likely benign for Familial Mediterranean fever, autosomal dominant; Familial Mediterranean fever; Acute febrile neutrophilic dermatosis. Last evaluated: 2021-08-10. Review status: criteria provided, single submitter. Criteria: ACMG Guidelines, 2015. Collection method: clinical testing. Allele origin: unknown.

GeneDx
Classification: Benign. Last evaluated: 2015-03-03. Review status: criteria provided, single submitter. Criteria: GeneDx Variant Classification Process June 2021. Collection method: clinical testing. Allele origin: germline. Affected: yes.

Breakthrough Genomics
Classification: Likely benign. Review status: criteria provided, single submitter. Criteria: ACMG Guidelines, 2015. Collection method: not provided. Allele origin: germline. Inheritance: Autosomal recessive inheritance. Affected: yes.

Natera, Inc.
Classification: Likely benign for Familial Mediterranean fever. Last evaluated: 2020-03-17. Review status: no assertion criteria provided. Collection method: clinical testing. Allele origin: germline. Not counted in ClinVar's aggregate classification.

Unité médicale des maladies autoinflammatoires, CHRU Montpellier
No classification provided. Condition: Familial Mediterranean fever. Review status: no classification provided. Collection method: not provided. Allele origin: unknown. Not counted in ClinVar's aggregate classification.

Literature cited by the submitters: PubMed 14578331 (cited by Women's Health and Genetics/Laboratory Corporation of America, LabCorp).

NM_000243.3(MEFV):c.2109C>T (p.Ser703=)

Genes: MEFV (MEFV innate immunity regulator, pyrin; minus strand), LOC126862264 (CDK7 strongly-dependent group 2 enhancer GRCh37_chr16:3293322-3294521; plus strand). Cytogenetic location: 16p13.3.
Variant type: single nucleotide variant.
Coding change: c.2109C>T on transcript NM_000243.3 (MANE Select); coding-DNA position 2109, C replaced by T.
Protein change: p.Ser703=; no amino-acid change (serine 703 retained).
Molecular consequence: synonymous variant. On other transcripts: 3 prime UTR variant (1).
Genome position (GRCh38, 1-based): chr16:3,243,378, G>A on the plus strand (C>T on the coding strand, the complement: MEFV is on the minus strand). VCF-style: chr16-3243378-G-A. GRCh37 (hg19) VCF-style: chr16-3293378-G-A.
Other names: c.*313C>T (NM_001198536.2).
Identifiers: ClinVar variation 97493 (VCV000097493.29), dbSNP rs104895118, ClinGen allele CA280523.